The following is an entry in ClinVar:

ClinVar aggregate classification (germline): Pathogenic (1 of 4 stars; one submission).

Conditions:
Werner syndrome (WRN). Identifiers: Orphanet 902, MedGen C0043119, MONDO:0010196, OMIM 277700.

Submission:

Labcorp Genetics (formerly Invitae), Labcorp
Classification: Pathogenic for Werner syndrome. Last evaluated: 2022-01-27. Review status: criteria provided, single submitter. Criteria: Invitae Variant Classification Sherloc (09022015). Collection method: clinical testing. Allele origin: germline.
Comment: For these reasons, this variant has been classified as Pathogenic. ClinVar contains an entry for this variant (Variation ID: 952082). This variant has not been reported in the literature in individuals affected with WRN-related conditions. This variant is not present in population databases (gnomAD no frequency). This sequence change creates a premature translational stop signal (p.Ala217Cysfs*16) in the WRN gene. It is expected to result in an absent or disrupted protein product. Loss-of-function variants in WRN are known to be pathogenic (PMID: 16673358).

Literature cited by the submitters: PubMed 16673358.

NM_000553.6(WRN):c.648dup (p.Ala217fs)

Gene: WRN (WRN RecQ like helicase; plus strand). Cytogenetic location: 8p12.
Variant type: Duplication.
Coding change: c.648dup on transcript NM_000553.6 (MANE Select); coding-DNA position 648, one base duplicated (T; older notation c.648dupT).
Protein change: p.Ala217fs; shifts the reading frame from alanine 217.
Molecular consequence: frameshift variant.
Genome position (GRCh38, 1-based): chr8:31,067,176, T duplicated. VCF-style (leftmost placement, unchanged base first): chr8-31067175-A-AT. GRCh37 (hg19) VCF-style: chr8-30924691-A-AT.
Other names: short protein forms A217fs.
Identifiers: ClinVar variation 952082 (VCV000952082.6), dbSNP rs1812741645, ClinGen allele CA1139660426.